The following is an entry in ClinVar:

ClinVar aggregate classification (germline): Pathogenic (1 of 4 stars; one submission).

Conditions:
Hereditary spastic paraplegia 7 (SPG7). Also called: SPASTIC PARAPLEGIA 7, AUTOSOMAL RECESSIVE, WITH OR WITHOUT CEREBELLAR ATAXIA; Spastic paraplegia 7; Hereditary spastic paraplegia Paraplegin type; Autosomal recessive spastic paraplegia type 7; SPG7-related neurologic disorder. Identifiers: Orphanet 99013, MedGen C1846564, MONDO:0011803, OMIM 607259.

Submission:

Labcorp Genetics (formerly Invitae), Labcorp
Classification: Pathogenic for Hereditary spastic paraplegia 7. Last evaluated: 2020-09-08. Review status: criteria provided, single submitter. Criteria: Invitae Variant Classification Sherloc (09022015). Collection method: clinical testing. Allele origin: germline.
Comment: For these reasons, this variant has been classified as Pathogenic. Loss-of-function variants in SPG7 are known to be pathogenic (PMID: 21623769, 22964162). A similar deletion of exon 6 has been reported to segregate with autosomal recessive hereditary spastic paraplegia in a family¬† (PMID: 23733235). This variant is an out-of-frame deletion of the genomic region encompassing exon 6 of the SPG7 gene. This is expected to create a premature translational stop signal and result in an absent or disrupted protein product.

Literature cited by the submitters: PubMed 21623769; PubMed 22964162; PubMed 23733235.

NC_000016.9:g.(?_89595875)_(89595997_?)del

Gene: SPG7 (SPG7 matrix AAA peptidase subunit, paraplegin; plus strand). Cytogenetic location: 16q24.3.
Variant type: Deletion.
Identifiers: ClinVar variation 1076752 (VCV001076752.7).